The following is an entry in ClinVar:

ClinVar aggregate classification (germline): Uncertain significance (1 of 4 stars; one submission).

Conditions:
Cryopyrin associated periodic syndrome (CAPS). Identifiers: Orphanet 208650, MedGen C2316212, MONDO:0016168.

Submission:

Labcorp Genetics (formerly Invitae), Labcorp
Classification: Uncertain significance for Cryopyrin associated periodic syndrome. Last evaluated: 2025-04-22. Review status: criteria provided, single submitter. Criteria: Invitae Variant Classification Sherloc (09022015). Collection method: clinical testing. Allele origin: germline.
Comment: This sequence change affects an acceptor splice site in intron 5 of the NLRP3 gene. It is expected to disrupt RNA splicing. Variants that disrupt the donor or acceptor splice site typically lead to a loss of protein function (PMID: 16199547), however the current clinical and genetic evidence is not sufficient to establish whether loss-of-function variants in NLRP3 cause disease. This variant is not present in population databases (gnomAD no frequency). This variant has not been reported in the literature in individuals affected with NLRP3-related conditions. ClinVar contains an entry for this variant (Variation ID: 3685687). Algorithms developed to predict the effect of sequence changes on RNA splicing suggest that this variant may disrupt the consensus splice site. In summary, the available evidence is currently insufficient to determine the role of this variant in disease. Therefore, it has been classified as a Variant of Uncertain Significance.

Literature cited by the submitters: PubMed 16199547.

NM_001243133.2(NLRP3):c.2493-1G>T

Gene: NLRP3 (NLR family pyrin domain containing 3; plus strand). Cytogenetic location: 1q44.
Variant type: single nucleotide variant.
Coding change: c.2493-1G>T on transcript NM_001243133.2 (MANE Select); the canonical splice acceptor site of the intron before coding-DNA position 2493, G replaced by T.
Molecular consequence: splice acceptor variant. On other transcripts: intron variant (2).
Genome position (GRCh38, 1-based): chr1:247,435,969, G>T. VCF-style: chr1-247435969-G-T. GRCh37 (hg19) VCF-style: chr1-247599271-G-T.
Other names: c.2499-1G>T (NM_004895.5); c.2492+1696G>T (NM_001127461.3); c.2322-1G>T (NM_001127462.3); c.2321+1696G>T (NM_183395.3); c.2493-1G>T (NM_001079821.3).
Identifiers: ClinVar variation 3685687 (VCV003685687.2).
Genomic context (GRCh38, chr1:247,435,969, plus strand): 5'-CCTTGTCCATGGTGGAGCGTGGGTGAGAGACATGACTGACATTCTGCCATCTCTATGGAA[G>T]GTTGGTCAGCTGCTGCCTCACATCAGCATGTTGTCAGGATCTTGCATCAGTATTGAGCAC-3'